The following is an entry in ClinVar:

NM_003630.3(PEX3):c.712A>G (p.Met238Val)

Gene: PEX3 (peroxisomal biogenesis factor 3; plus strand). Cytogenetic location: 6q24.2.
Variant type: single nucleotide variant.
Coding change: c.712A>G on transcript NM_003630.3 (MANE Select); coding-DNA position 712, A replaced by G.
Protein change: p.Met238Val; replaces methionine 238 with valine.
Molecular consequence: missense variant.
Genome position (GRCh38, 1-based): chr6:143,472,293, A>G. VCF-style: chr6-143472293-A-G. GRCh37 (hg19) VCF-style: chr6-143793430-A-G.
Other names: short protein forms M238V.
Identifiers: ClinVar variation 1448152 (VCV001448152.4), dbSNP rs1780085780, ClinGen allele CA365912555.
Genomic context (GRCh38, chr6:143,472,293, plus strand): 5'-CAGCATAAGTCTTCTTCTTGGATTAATAAAGATGGATCCAAACCTTTATTATGCCATTAT[A>G]TGATGCCAGATGAAGAAACTCCATTAGCAGTGCAGGTGCTTAATTCATAACCATTTAACC-3'
Protein context (NP_003621.1, residues 228-248): DGSKPLLCHY[Met238Val]MPDEETPLAV

ClinVar aggregate classification (germline): Uncertain significance (1 of 4 stars; one submission).

Allele frequency attached by ClinVar (database versions not stated): TOPMed below 0.00001; gnomAD 0.00001.
gnomAD v4.1: 1 of 1,609,442 alleles (0.000062%); highest among the groups gnomAD compares: East Asian, 0.0022%; no homozygotes.

Submission:

Labcorp Genetics (formerly Invitae), Labcorp
Classification: Uncertain significance. Last evaluated: 2025-09-02. Review status: criteria provided, single submitter. Criteria: Invitae Variant Classification Sherloc (09022015). Collection method: clinical testing. Allele origin: germline.
Comment: This sequence change replaces methionine, which is neutral and non-polar, with valine, which is neutral and non-polar, at codon 238 of the PEX3 protein (p.Met238Val). This variant is not present in population databases (gnomAD no frequency). This variant has not been reported in the literature in individuals affected with PEX3-related conditions. ClinVar contains an entry for this variant (Variation ID: 1448152). Invitae Evidence Modeling of protein sequence and biophysical properties (such as structural, functional, and spatial information, amino acid conservation, physicochemical variation, residue mobility, and thermodynamic stability) indicates that this missense variant is not expected to disrupt PEX3 protein function with a negative predictive value of 80%. In summary, the available evidence is currently insufficient to determine the role of this variant in disease. Therefore, it has been classified as a Variant of Uncertain Significance.